The following is an entry in ClinVar:

ClinVar aggregate classification (germline): Pathogenic (1 of 4 stars; one submission).

Submission:

Labcorp Genetics (formerly Invitae), Labcorp
Classification: Pathogenic. Last evaluated: 2023-01-27. Review status: criteria provided, single submitter. Criteria: Invitae Variant Classification Sherloc (09022015). Collection method: clinical testing. Allele origin: germline.
Comment: This sequence change creates a premature translational stop signal (p.Gly1230Argfs*23) in the COL4A4 gene. It is expected to result in an absent or disrupted protein product. Loss-of-function variants in COL4A4 are known to be pathogenic (PMID: 21196518, 24854265, 25307543). This variant is present in population databases (no rsID available, gnomAD 0.01%). This premature translational stop signal has been observed in individual(s) with Alport syndrome (PMID: 24633401). For these reasons, this variant has been classified as Pathogenic.

Literature cited by the submitters: PubMed 21196518; PubMed 24854265; PubMed 25307543; PubMed 24633401.

NM_000092.5(COL4A4):c.3687dup (p.Gly1230fs)

Gene: COL4A4 (collagen type IV alpha 4 chain; minus strand). Cytogenetic location: 2q36.3.
Variant type: Duplication.
Coding change: c.3687dup on transcript NM_000092.5 (MANE Select); coding-DNA position 3687, one base duplicated (A; older notation c.3687dupA).
Protein change: p.Gly1230fs; shifts the reading frame from glycine 1230.
Molecular consequence: frameshift variant.
Genome position (GRCh38, 1-based): chr2:227,032,167, T duplicated on the plus strand (A on the coding strand, the reverse complement: COL4A4 is on the minus strand); the first of 3 consecutive T bases (chr2:227,032,167-227,032,169); duplicating any one gives the same sequence. VCF-style (leftmost placement, unchanged base first): chr2-227032166-C-CT. GRCh37 (hg19) VCF-style: chr2-227896882-C-CT.
Other names: short protein forms G1230fs.
Identifiers: ClinVar variation 2734404 (VCV002734404.3), dbSNP rs1559455208, ClinGen allele CA540306475.
Genomic context (GRCh38, chr2:227,032,166, plus strand): 5'-GGTTTAGTTATTGAAAGAAGGGCAAAGCATGCTACAGCTTACCTGGGGGTCCTGGGGGAC[C>CT]TTTCTTTCCACGAGGACCTGGAGGAGAGATTCCTGGGCTCCCAGGGTCTCCTCTCTCCCC-3'